The following is an entry in ClinVar:

NM_001034853.2(RPGR):c.1245+16A>G

Gene: RPGR (retinitis pigmentosa GTPase regulator; minus strand). Cytogenetic location: Xp11.4.
Variant type: single nucleotide variant.
Coding change: c.1245+16A>G on transcript NM_001034853.2 (MANE Select); 16 bases into the intron after coding-DNA position 1245, A replaced by G.
Molecular consequence: intron variant.
Genome position (GRCh38, 1-based): chrX:38,298,940, T>C on the plus strand (A>G on the coding strand, the complement: RPGR is on the minus strand). VCF-style: chrX-38298940-T-C. GRCh37 (hg19) VCF-style: chrX-38158193-T-C.
Other names: c.1242+16A>G (NM_001367249.1, NM_001367250.1, NM_001367245.1); c.1060-1488A>G (NM_001367251.1, NM_001367246.1); c.1245+16A>G (NM_001367247.1, NM_000328.3); c.1275+16A>G (NM_001367248.1).
Identifiers: ClinVar variation 98731 (VCV000098731.16), dbSNP rs5918522, ClinGen allele CA226347.
Genomic context (GRCh38, chrX:38,298,940, plus strand): 5'-GAAAACAGATTTTTTTCTTCTAGTTTTCTTTGCAGTGCTAGATAATACTATTATACAGAA[T>C]AGGCCACAATTGTACCCTCTCTCTTCGCCGCATACGTGCTGATAGAGTCCTCTGCAGTAC-3'

ClinVar aggregate classification (germline): Benign. Review status: criteria provided, multiple submitters, no conflicts (2 of 4 stars). 8 submissions from 8 submitters: Benign (7). 1 of the submissions does not count toward it. Last evaluated 2026-02-04.

Conditions:
Primary ciliary dyskinesia. Also called: Ciliary dyskinesia. Identifiers: Orphanet 244, MedGen C0008780, MONDO:0016575, HP:0012265.

Allele frequency attached by ClinVar (database versions not stated): 1000 Genomes Project 0.08159; 1000 Genomes Project 30x 0.08574; gnomAD exomes 0.12348 and 0.15867; ExAC 0.12446; gnomAD 0.13486 and 0.13807; TOPMed 0.13580; ESP Exome Variant Server 0.14942.
gnomAD v4.1: 188,377 of 1,204,044 alleles (16%); highest among the groups gnomAD compares: Middle Eastern, 22%; 11,286 homozygotes.

Submissions (8):

Labcorp Genetics (formerly Invitae), Labcorp
Classification: Benign for Primary ciliary dyskinesia. Last evaluated: 2026-02-04. Review status: criteria provided, single submitter. Criteria: Invitae Variant Classification Sherloc (09022015). Collection method: clinical testing. Allele origin: germline.

Blueprint Genetics
Classification: Benign. Last evaluated: 2024-11-28. Review status: criteria provided, single submitter. Criteria: ACMG Guidelines, 2015. Collection method: clinical testing. Allele origin: germline.

Women's Health and Genetics/Laboratory Corporation of America, LabCorp
Classification: Benign. Last evaluated: 2024-01-11. Review status: criteria provided, single submitter. Criteria: LabCorp Variant Classification Summary - May 2015. Collection method: clinical testing. Allele origin: germline.

GeneDx
Classification: Benign. Last evaluated: 2018-01-03. Review status: criteria provided, single submitter. Criteria: GeneDx Variant Classification (06012015). Collection method: clinical testing. Allele origin: germline. Affected: yes.
Comment: This variant is considered likely benign or benign based on one or more of the following criteria: it is a conservative change, it occurs at a poorly conserved position in the protein, it is predicted to be benign by multiple in silico algorithms, and/or has population frequency not consistent with disease.

Laboratory for Molecular Medicine, Mass General Brigham Personalized Medicine
Classification: Benign. Last evaluated: 2016-04-25. Review status: criteria provided, single submitter. Criteria: LMM Criteria. Collection method: clinical testing. Allele origin: germline.
Comment: Variant identified in a genome or exome case(s) and assessed due to predicted null impact of the variant or pathogenic assertions in the literature or databases. Disclaimer: This variant has not undergone full assessment. The following are preliminary notes: Frequency

Breakthrough Genomics
Classification: Benign. Review status: criteria provided, single submitter. Criteria: ACMG Guidelines, 2015. Collection method: not provided. Allele origin: germline. Inheritance: X-linked inheritance. Affected: yes.

PreventionGenetics, part of Exact Sciences
Classification: Benign. Review status: criteria provided, single submitter. Criteria: ACMG Guidelines, 2015. Collection method: clinical testing. Allele origin: germline.

Retina International
No classification provided. Review status: no classification provided. Collection method: not provided. Allele origin: unknown. Not counted in ClinVar's aggregate classification.